The following is an entry in ClinVar:

ClinVar aggregate classification (germline): Uncertain significance. Review status: criteria provided, multiple submitters, no conflicts (2 of 4 stars). 2 submissions from 2 submitters: Uncertain significance (2). Last evaluated 2024-11-20.

Conditions:
Inborn genetic diseases. Identifiers: MedGen C0950123, MeSH D030342.

Allele frequency attached by ClinVar (database versions not stated): gnomAD 0.00001; gnomAD exomes 0.00001; TOPMed 0.00002; ESP Exome Variant Server 0.00008.
gnomAD v4.1: 14 of 1,614,076 alleles (0.00087%); highest among the groups gnomAD compares: Non-Finnish European, 0.0012%; no homozygotes.

Submissions (2):

Ambry Genetics
Classification: Uncertain significance for Inborn genetic diseases. Last evaluated: 2024-11-20. Review status: criteria provided, single submitter. Criteria: Ambry Variant Classification Scheme 2023. Collection method: clinical testing. Allele origin: germline.

Labcorp Genetics (formerly Invitae), Labcorp
Classification: Uncertain significance. Last evaluated: 2024-11-19. Review status: criteria provided, single submitter. Criteria: Invitae Variant Classification Sherloc (09022015). Collection method: clinical testing. Allele origin: germline.
Comment: This sequence change replaces glutamine, which is neutral and polar, with histidine, which is basic and polar, at codon 1434 of the NLRP1 protein (p.Gln1434His). This variant is not present in population databases (gnomAD no frequency). This variant has not been reported in the literature in individuals affected with NLRP1-related conditions. ClinVar contains an entry for this variant (Variation ID: 1926110). An algorithm developed to predict the effect of missense changes on protein structure and function (PolyPhen-2) suggests that this variant is likely to be disruptive. In summary, the available evidence is currently insufficient to determine the role of this variant in disease. Therefore, it has been classified as a Variant of Uncertain Significance.

NM_033004.4(NLRP1):c.4302G>T (p.Gln1434His)

Gene: NLRP1 (NLR family pyrin domain containing 1; minus strand). Cytogenetic location: 17p13.2.
Variant type: single nucleotide variant.
Coding change: c.4302G>T on transcript NM_033004.4 (MANE Select); coding-DNA position 4302, G replaced by T.
Protein change: p.Gln1434His; replaces glutamine 1434 with histidine.
Molecular consequence: missense variant. On other transcripts: intron variant (1).
Genome position (GRCh38, 1-based): chr17:5,514,874, C>A on the plus strand (G>T on the coding strand, the complement: NLRP1 is on the minus strand). VCF-style: chr17-5514874-C-A. GRCh37 (hg19) VCF-style: chr17-5418194-C-A.
Other names: c.4170G>T, p.Gln1390His (NM_014922.5); c.4212G>T, p.Gln1404His (NM_033006.4); c.4080G>T, p.Gln1360His (NM_033007.4); c.4069+2872G>T (NM_001033053.3); c.4302G>T (NM_033004.3); short protein forms Q1390H, Q1360H, Q1434H, Q1404H.
Identifiers: ClinVar variation 1926110 (VCV001926110.6), dbSNP rs368144465, ClinGen allele CA287273514.